The following is an entry in ClinVar:

ClinVar aggregate classification (germline): Likely benign (1 of 4 stars; one submission).

Submission:

CeGaT Center for Human Genetics Tuebingen
Classification: Likely benign. Last evaluated: 2023-07-01. Review status: criteria provided, single submitter. Criteria: CeGaT Center For Human Genetics Tuebingen Variant Classification Criteria Version 2. Collection method: clinical testing. Allele origin: germline. Affected: yes. Observed: 1 variant allele.
Comment: MUC5B: BP4

NM_002458.3(MUC5B):c.70+8C>T

Gene: MUC5B (mucin 5B, oligomeric mucus/gel-forming; plus strand). Cytogenetic location: 11p15.5.
Variant type: single nucleotide variant.
Coding change: c.70+8C>T on transcript NM_002458.3 (MANE Select); 8 bases into the intron after coding-DNA position 70, C replaced by T.
Molecular consequence: intron variant.
Genome position (GRCh38, 1-based): chr11:1,223,201, C>T. VCF-style: chr11-1223201-C-T. GRCh37 (hg19) VCF-style: chr11-1244431-C-T.
Identifiers: ClinVar variation 2641179 (VCV002641179.24), dbSNP rs1162577922, ClinGen allele CA672642150.